The following is an entry in ClinVar:

ClinVar aggregate classification (germline): Conflicting classifications of pathogenicity. Review status: criteria provided, conflicting classifications (1 of 4 stars). 2 submissions from 2 submitters: Uncertain significance (1); Likely benign (1). Last evaluated 2025-08-03.

Allele frequency attached by ClinVar (database versions not stated): 1000 Genomes Project 30x 0.00031; 1000 Genomes Project 0.00040; ExAC 0.00119; TOPMed 0.00123; gnomAD 0.00131; ESP Exome Variant Server 0.00160.
gnomAD v4.1: 3,127 of 1,614,180 alleles (0.19%); highest among the groups gnomAD compares: Non-Finnish European, 0.24%; 9 homozygotes.

Submissions (2):

Ambry Genetics
Classification: Uncertain significance. Last evaluated: 2025-08-03. Review status: criteria provided, single submitter. Criteria: Ambry Variant Classification Scheme 2023. Collection method: clinical testing. Allele origin: germline.

CeGaT Center for Human Genetics Tuebingen
Classification: Likely benign. Last evaluated: 2022-12-01. Review status: criteria provided, single submitter. Criteria: CeGaT Center For Human Genetics Tuebingen Variant Classification Criteria Version 2. Collection method: clinical testing. Allele origin: germline. Affected: yes. Observed: 1 variant allele.
Comment: MYO5C: BP4, BS2

NM_018728.4(MYO5C):c.2830G>A (p.Glu944Lys)

Gene: MYO5C (myosin VC; minus strand). Cytogenetic location: 15q21.2.
Variant type: single nucleotide variant.
Coding change: c.2830G>A on transcript NM_018728.4 (MANE Select); coding-DNA position 2830, G replaced by A.
Protein change: p.Glu944Lys; replaces glutamic acid 944 with lysine.
Molecular consequence: missense variant.
Genome position (GRCh38, 1-based): chr15:52,237,520, C>T on the plus strand (G>A on the coding strand, the complement: MYO5C is on the minus strand). VCF-style: chr15-52237520-C-T. GRCh37 (hg19) VCF-style: chr15-52529717-C-T.
Other names: c.2830G>A (NM_018728.3); short protein forms E944K.
Identifiers: ClinVar variation 2645352 (VCV002645352.25), dbSNP rs199903966, ClinGen allele CA7566802.
Genomic context (GRCh38, chr15:52,237,520, plus strand): 5'-GTCTCACACGCCCGCAGCTGACCTCTTCCACAGCATCCCTGTATCTCTTCCCCTTCTCCT[C>T]GTAATTTCGCCTGTGAGTGGCTGCTTTTTCTAGTTCTGCTTCCAGCTTCTGAATCTTTTC-3'
Protein context (NP_061198.2, residues 934-954): EKAATHRRNY[Glu944Lys]EKGKRYRDAV